The following is an entry in ClinVar:

ClinVar aggregate classification (germline): Uncertain significance. Review status: criteria provided, multiple submitters, no conflicts (2 of 4 stars). 3 submissions from 3 submitters: Uncertain significance (3). Last evaluated 2024-01-12.

Conditions:
Hereditary breast ovarian cancer syndrome. Also called: Hereditary breast and ovarian cancer syndrome (HBOC); Hereditary breast and ovarian cancer syndrome; Breast and ovarian cancer; Hereditary breast and/or ovarian cancer syndrome; Hereditary breast and ovarian cancer; BRCA1- and BRCA2-Associated Hereditary Breast and Ovarian Cancer. Identifiers: Orphanet 145, MedGen C0677776, MeSH D061325, MONDO:0003582. Disease mechanism: loss of function.
Hereditary cancer-predisposing syndrome. Also called: Neoplastic Syndromes, Hereditary; Hereditary Cancer Syndrome; Hereditary neoplastic syndrome; Tumor predisposition. Identifiers: Orphanet 140162, MedGen C0027672, MeSH D009386, MONDO:0015356.

Submissions (3):

Ambry Genetics
Classification: Uncertain significance for Hereditary cancer-predisposing syndrome. Last evaluated: 2024-01-12. Review status: criteria provided, single submitter. Criteria: Ambry Variant Classification Scheme 2023. Collection method: clinical testing. Allele origin: germline.
Comment: The p.D214Y variant (also known as c.640G>T), located in coding exon 8 of the BRCA1 gene, results from a G to T substitution at nucleotide position 640. The aspartic acid at codon 214 is replaced by tyrosine, an amino acid with highly dissimilar properties. This amino acid position is poorly conserved in available vertebrate species. In silico splice site analysis predicts that this alteration will weaken the native splice donor site and will result in the creation or strengthening of a novel splice donor site. RNA studies have demonstrated that this alteration results in a splice defect involving exons excluded from naturally occurring transcripts; the clinical impact of this abnormal splicing is unknown at this time (Ambry internal data).In addition, as a missense substitution, this alteration is predicted to be deleterious by in silico analysis. Since supporting evidence is limited at this time, the clinical significance of this alteration remains unclear.

Color Diagnostics, LLC DBA Color Health
Classification: Uncertain significance for Hereditary cancer-predisposing syndrome. Last evaluated: 2023-08-31. Review status: criteria provided, single submitter. Criteria: ACMG Guidelines, 2015. Collection method: clinical testing. Allele origin: germline.
Comment: This variant is located in the BRCA1 protein. Computational prediction is inconclusive regarding the impact of this variant on protein structure and function (internally defined REVEL score threshold 0.5 < inconclusive < 0.7, PMID: 27666373). Splice site prediction tools suggest that this variant may have a significant impact on RNA splicing, although this prediction has not been confirmed in published RNA studies. To our knowledge, functional studies have not been reported for this variant. This variant has not been reported in individuals affected with BRCA1-related disorders in the literature. This variant has not been identified in the general population by the Genome Aggregation Database (gnomAD). The available evidence is insufficient to determine the role of this variant in disease conclusively. Therefore, this variant is classified as a Variant of Uncertain Significance.

Labcorp Genetics (formerly Invitae), Labcorp
Classification: Uncertain significance for Hereditary breast ovarian cancer syndrome. Last evaluated: 2023-03-26. Review status: criteria provided, single submitter. Criteria: Invitae Variant Classification Sherloc (09022015). Collection method: clinical testing. Allele origin: germline.
Comment: In summary, the available evidence is currently insufficient to determine the role of this variant in disease. Therefore, it has been classified as a Variant of Uncertain Significance. Algorithms developed to predict the effect of sequence changes on RNA splicing suggest that this variant may disrupt the consensus splice site. Advanced modeling of protein sequence and biophysical properties (such as structural, functional, and spatial information, amino acid conservation, physicochemical variation, residue mobility, and thermodynamic stability) performed at Invitae indicates that this missense variant is not expected to disrupt BRCA1 protein function. ClinVar contains an entry for this variant (Variation ID: 462682). This variant has not been reported in the literature in individuals affected with BRCA1-related conditions. This variant is not present in population databases (gnomAD no frequency). This sequence change replaces aspartic acid, which is acidic and polar, with tyrosine, which is neutral and polar, at codon 214 of the BRCA1 protein (p.Asp214Tyr).

NM_007294.4(BRCA1):c.640G>T (p.Asp214Tyr)

Gene: BRCA1 (BRCA1 DNA repair associated; minus strand). Cytogenetic location: 17q21.31.
Variant type: single nucleotide variant.
Coding change: c.640G>T on transcript NM_007294.4 (MANE Select); coding-DNA position 640, G replaced by T.
Protein change: p.Asp214Tyr; replaces aspartic acid 214 with tyrosine.
Molecular consequence: missense variant. On other transcripts: non-coding transcript variant (1).
Genome position (GRCh38, 1-based): chr17:43,095,876, C>A on the plus strand (G>T on the coding strand, the complement: BRCA1 is on the minus strand). VCF-style: chr17-43095876-C-A. GRCh37 (hg19) VCF-style: chr17-41247893-C-A.
Other names: c.430G>T, p.Asp144Tyr (NM_001407886.1, NM_001407889.1, NM_001407887.1 and 27 more transcripts); c.427G>T, p.Asp143Tyr (NM_001407898.1, NM_001407899.1, NM_001407894.1 and 12 more transcripts); c.640G>T, p.Asp214Tyr (NM_001407581.1, NM_001407582.1, NM_001407583.1 and 59 more transcripts); c.637G>T, p.Asp213Tyr (NM_001407587.1, NM_001407590.1, NM_001407591.1 and 41 more transcripts); c.631G>T, p.Asp211Tyr (NM_001407646.1, NM_001407647.1, NM_001408408.1); c.562G>T, p.Asp188Tyr (NM_001407653.1, NM_001407654.1, NM_001407655.1 and 9 more transcripts); c.559G>T, p.Asp187Tyr (NM_001407659.1, NM_001407660.1, NM_001407661.1 and 3 more transcripts); c.499G>T, p.Asp167Tyr (NM_001407692.1, NM_001407694.1, NM_001407695.1 and 43 more transcripts); and 4 more; short protein forms D214Y, D167Y, D169Y, D187Y, D188Y, D87Y, D211Y, D213Y.
Identifiers: ClinVar variation 462682 (VCV000462682.21), dbSNP rs786203797, ClinGen allele CA10600824.
Genomic context (GRCh38, chr17:43,095,876, plus strand): 5'-GCCTGTTAAGTTGGCAAACTTTGCCATTACCCTTTTTTGCAGAATCCAAACTGATTTCAT[C>A]CCTGGTTCCTTGAGGGGTGATTTGTAACAATTCTTGATCTCCCACACTATAGGGAAAAGA-3'
Protein context (NP_009225.1, residues 204-224): LLQITPQGTR[Asp214Tyr]EISLDSAKKA